The following is an entry in ClinVar:

ClinVar aggregate classification (germline): Likely pathogenic. Review status: criteria provided, multiple submitters, no conflicts (2 of 4 stars). 4 submissions from 4 submitters: Likely pathogenic (4). Last evaluated 2025-10-20.

Conditions:
Hereditary cancer-predisposing syndrome. Also called: Hereditary Cancer Syndrome; Hereditary neoplastic syndrome; Neoplastic Syndromes, Hereditary; Tumor predisposition. Identifiers: Orphanet 140162, MedGen C0027672, MeSH D009386, MONDO:0015356.
Breast and/or ovarian cancer. Identifiers: MedGen CN221562.
Lynch syndrome 5 (LYNCH5). Also called: Colorectal cancer, hereditary nonpolyposis, type 5; Hereditary non-polyposis colorectal cancer, type 5. Identifiers: Orphanet 144, MedGen C1833477, MONDO:0013710, OMIM 614350. Disease mechanism: loss of function.

Submissions (4):

Ambry Genetics
Classification: Likely pathogenic for Hereditary cancer-predisposing syndrome. Last evaluated: 2025-10-20. Review status: criteria provided, single submitter. Criteria: Ambry Variant Classification Scheme 2023. Collection method: clinical testing. Allele origin: germline.
Comment: The c.3646+2delT intronic variant, located in intron 7 of the MSH6 gene, results from a deletion of one nucleotide within intron 7 of the MSH6 gene. RNA studies have demonstrated that this alteration results in abnormal splicing in the set of samples tested (Ambry internal data). This nucleotide position is highly conserved in available vertebrate species. In silico splice site analysis predicts that this alteration will weaken the native splice donor site. This variant is considered to be rare based on population cohorts in the Genome Aggregation Database (gnomAD). Alterations that disrupt the canonical splice site are expected to cause aberrant splicing, resulting in an abnormal protein or a transcript that is subject to nonsense-mediated mRNA decay. As such, this alteration is classified as likely pathogenic.

Myriad Genetics, Inc.
Classification: Likely pathogenic for Lynch syndrome 5. Last evaluated: 2025-04-04. Review status: criteria provided, single submitter. Criteria: Myriad Autosomal Dominant, Autosomal Recessive and X-Linked Classification Criteria (2023). Collection method: clinical testing. Allele origin: unknown.
Comment: This variant is considered likely pathogenic. This variant occurs within a consensus splice junction and is predicted to result in abnormal mRNA splicing of either an out-of-frame exon or an in-frame exon necessary for protein stability and/or normal function.

CHEO Genetics Diagnostic Laboratory, Children's Hospital of Eastern Ontario
Classification: Likely pathogenic for Breast and/or ovarian cancer. Last evaluated: 2021-07-09. Review status: criteria provided, single submitter. Criteria: ACMG Guidelines, 2015. Collection method: clinical testing. Allele origin: germline.

Sema4
Classification: Likely pathogenic for Hereditary cancer-predisposing syndrome. Last evaluated: 2021-05-19. Review status: criteria provided, single submitter. Criteria: Sema4 Curation Guidelines. Collection method: curation. Allele origin: germline.
Comment: The MSH6 c.3646+2delT variant has not been reported in the literature to our knowledge. This variant is predicted to abolish the canonical splice site leading to an abnormal or absent protein (loss of function), Loss of function variants in MSH6 are known to be pathogenic (PMID: 18269114, 24362816). This variant is not reported in the Genome Aggregation Database (PMID: 32461654). This variant has not been reported in ClinVar. Based on the current evidence available, this variant is interpreted as likely pathogenic.

Literature cited by the submitters: PubMed 18269114 (cited by Sema4); PubMed 24362816 (cited by Sema4).

NM_000179.3(MSH6):c.3646+2del

Gene: MSH6 (mutS homolog 6; plus strand). Cytogenetic location: 2p16.3.
Variant type: Deletion.
Coding change: c.3646+2del on transcript NM_000179.3 (MANE Select); the canonical splice donor site of the intron after coding-DNA position 3646, one base deleted (T; older notation c.3646+2delT).
Molecular consequence: splice donor variant.
Genome position (GRCh38, 1-based): chr2:47,805,709, T deleted. VCF-style (leftmost placement, unchanged base first): chr2-47805708-GT-G. GRCh37 (hg19) VCF-style: chr2-48032847-GT-G.
Other names: c.3646+2del (NM_001406809.1, NM_001406796.1, NM_001406808.1 and 1 more transcripts); c.2740+2del (NM_001406811.1, NM_001406814.1, NM_001281493.2 and 6 more transcripts); c.3349+2del (NM_001406805.1, NM_001406797.1, NM_001406801.1 and 10 more transcripts); c.3742+2del (NM_001406795.1, NM_001406802.1); c.3652+2del (NM_001406813.1); c.3121+2del (NM_001406807.1, NM_001406799.1, NM_001406806.1); c.3472+2del (NM_001406798.1); c.2782+2del (NM_001406803.1); and 8 more.
Identifiers: ClinVar variation 1692260 (VCV001692260.5), dbSNP rs2104526796, ClinGen allele CA2573134753.